The following is an entry in ClinVar:

ClinVar aggregate classification (germline): Conflicting classifications of pathogenicity. Review status: criteria provided, conflicting classifications (1 of 4 stars). 8 submissions from 8 submitters: Uncertain significance (3); Benign (1); Likely benign (1). 3 of the submissions do not count toward it. Last evaluated 2025-11-25.

Conditions:
UBQLN2-related disorder. Also called: UBQLN2-related condition.
Amyotrophic lateral sclerosis (ALS). Also called: Charcot disease; Lou Gehrig disease. Identifiers: Orphanet 803, MedGen C0002736, MONDO:0004976, HP:0007354.
Amyotrophic lateral sclerosis type 15. Also called: AMYOTROPHIC LATERAL SCLEROSIS 15 WITH FRONTOTEMPORAL DEMENTIA. Identifiers: Orphanet 803, MedGen C3275459, MONDO:0010459, OMIM 300857.

Allele frequency attached by ClinVar (database versions not stated): gnomAD 0.00005; TOPMed 0.00014.
gnomAD v4.1: 149 of 1,194,329 alleles (0.012%); highest among the groups gnomAD compares: Middle Eastern, 0.11%; no homozygotes.

Submissions (8):

Labcorp Genetics (formerly Invitae), Labcorp
Classification: Benign for Amyotrophic lateral sclerosis type 15. Last evaluated: 2025-11-25. Review status: criteria provided, single submitter. Criteria: Invitae Variant Classification Sherloc (09022015). Collection method: clinical testing. Allele origin: germline.

GeneDx
Classification: Uncertain significance. Last evaluated: 2023-11-15. Review status: criteria provided, single submitter. Criteria: GeneDx Variant Classification Process June 2021. Collection method: clinical testing. Allele origin: germline. Affected: yes.
Comment: In silico analysis supports that this missense variant does not alter protein structure/function; This variant is associated with the following publications: (PMID: 26944018, 25333069, 26075709, 29161404, 27834214, 28716533, 25398946, 25616961, 26152284, 21857683, 25681989, 34426522, 35047667, 32579787, 30982635, 33891006, 33919255, 31324802, 31942019, 31167121, 32513711, 37039476, 36423739, 35936615, 31319884, 32290710, Durmus2023[Casereport])

Genomic Research Center, Shahid Beheshti University of Medical Sciences
Classification: Likely benign for Amyotrophic lateral sclerosis. Last evaluated: 2020-05-03. Review status: criteria provided, single submitter. Criteria: ACMG Guidelines, 2015. Collection method: clinical testing. Allele origin: unknown. Affected: yes.

Suna and Inan Kirac Foundation Neurodegeneration Research Laboratory, Koc University
Classification: Uncertain significance for Amyotrophic lateral sclerosis type 15. Last evaluated: 2020-03-31. Review status: criteria provided, single submitter. Criteria: ACMG Guidelines, 2015. Collection method: research. Allele origin: germline. Affected: yes. Observed: 1 variant allele.

Illumina Laboratory Services, Illumina
Classification: Uncertain significance for Amyotrophic lateral sclerosis type 15. Last evaluated: 2017-04-28. Review status: criteria provided, single submitter. Criteria: ICSL Variant Classification Criteria 13 December 2019. Collection method: clinical testing. Allele origin: germline.
Comment: This variant was observed as part of a predisposition screen in an ostensibly healthy population. A literature search was performed for the gene, cDNA change, and amino acid change (where applicable). Publications were found based on this search. However, the evidence from the literature, in combination with allele frequency data from public databases where available, was not sufficient to rule this variant in or out of causing disease. Therefore, this variant is classified as a variant of unknown significance.

PreventionGenetics, part of Exact Sciences
Classification: Likely benign for UBQLN2-related condition. Last evaluated: 2023-04-03. Review status: no assertion criteria provided. Collection method: clinical testing. Allele origin: germline. Not counted in ClinVar's aggregate classification.
Comment: This variant is classified as likely benign based on ACMG/AMP sequence variant interpretation guidelines (Richards et al. 2015 PMID: 25741868, with internal and published modifications).

Reproductive Health Research and Development, BGI Genomics
Classification: Likely pathogenic for Amyotrophic lateral sclerosis 15, with or without frontotemporal dementia. Last evaluated: 2020-01-06. Review status: no assertion criteria provided. Collection method: curation. Allele origin: germline. Not counted in ClinVar's aggregate classification.
Comment: NM_013444.3:c.1573C>T in the UBQLN2 gene has an allele frequency of 0.007 in Ashkenazi Jewish subpopulation in the gnomAD database. The p.Pro525Ser (NM_013444.3:c.1573C>T) variant has been detected in families affected with amyotrophic lateral sclerosis (PMID: 21857683). Functional studies suggest that p.Pro525Ser exhibited intermediate solubility phenotypes compared to wild type (PMID: 29161404). Taken together, we interprete this variant as Pathogenic/Likely pathogenic. ACMG/AMP Criteria applied: PS3; PP4; PM2.

OMIM
Classification: Pathogenic for AMYOTROPHIC LATERAL SCLEROSIS 15 WITH OR WITHOUT FRONTOTEMPORAL DEMENTIA. Last evaluated: 2011-08-21. Review status: no assertion criteria provided. Collection method: literature only. Allele origin: germline. Not counted in ClinVar's aggregate classification.

Literature cited by the submitters: PubMed 21857683 (cited by Illumina Laboratory Services, Illumina and OMIM); PubMed 26075709 (cited by Illumina Laboratory Services, Illumina); PubMed 25333069 (cited by Illumina Laboratory Services, Illumina); PubMed 25616961 (cited by Illumina Laboratory Services, Illumina).

NM_013444.4(UBQLN2):c.1573C>T (p.Pro525Ser)

Gene: UBQLN2 (ubiquilin 2; plus strand). Cytogenetic location: Xp11.21.
Variant type: single nucleotide variant.
Coding change: c.1573C>T on transcript NM_013444.4 (MANE Select); coding-DNA position 1573, C replaced by T.
Protein change: p.Pro525Ser; replaces proline 525 with serine.
Molecular consequence: missense variant.
Genome position (GRCh38, 1-based): chrX:56,565,446, C>T. VCF-style: chrX-56565446-C-T. GRCh37 (hg19) VCF-style: chrX-56591879-C-T.
Other names: short protein forms P525S.
Identifiers: ClinVar variation 29954 (VCV000029954.18), dbSNP rs369947678, ClinGen allele CA259711.